The following is an entry in ClinVar:

ClinVar aggregate classification (germline): Likely benign (0 of 4 stars; one submission).

Conditions:
TLE6-related disorder. Also called: TLE6-related condition.

Allele frequency attached by ClinVar (database versions not stated): 1000 Genomes Project 30x 0.00031.
gnomAD v4.1: 667 of 1,579,992 alleles (0.042%); highest among the groups gnomAD compares: African/African-American, 0.066%; 1 homozygote.

Submissions (2):

PreventionGenetics, part of Exact Sciences
Classification: Likely benign for TLE6-related condition. Last evaluated: 2020-01-24. Review status: no assertion criteria provided. Collection method: clinical testing. Allele origin: germline.
Comment: This variant is classified as likely benign based on ACMG/AMP sequence variant interpretation guidelines (Richards et al. 2015 PMID: 25741868, with internal and published modifications).

Dr. Peter K. Rogan Lab, Western University
No classification provided (evidence only). Condition: Ovarian serous cystadenocarcinoma. Review status: no classification provided. Collection method: in vitro. Allele origin: not applicable. Functional consequence: retained intron. Not counted in ClinVar's aggregate classification.

NM_001143986.2(TLE6):c.1615-7C>A

Gene: TLE6 (TLE family member 6, subcortical maternal complex member; plus strand). Cytogenetic location: 19p13.3.
Variant type: single nucleotide variant.
Coding change: c.1615-7C>A on transcript NM_001143986.2 (MANE Select); 7 bases into the intron before coding-DNA position 1615, C replaced by A.
Molecular consequence: intron variant.
Genome position (GRCh38, 1-based): chr19:2,994,893, C>A. VCF-style: chr19-2994893-C-A. GRCh37 (hg19) VCF-style: chr19-2994891-C-A.
Other names: NC_000019.9:g.2994891C>A; c.1246-7C>A (NM_024760.3).
Identifiers: ClinVar variation 3052081 (VCV003052081.3), dbSNP rs116114551, ClinGen allele CA9073229.